The following is an entry in ClinVar:

NM_133625.6(SYN2):c.1308+1G>A

Gene: SYN2 (synapsin II; plus strand). Cytogenetic location: 3p25.2.
Variant type: single nucleotide variant.
Coding change: c.1308+1G>A on transcript NM_133625.6 (MANE Select); the canonical splice donor site of the intron after coding-DNA position 1308, G replaced by A.
Molecular consequence: splice donor variant.
Genome position (GRCh38, 1-based): chr3:12,169,907, G>A. VCF-style: chr3-12169907-G-A. GRCh37 (hg19) VCF-style: chr3-12211407-G-A.
Other names: c.1308+1G>A (NM_003178.6).
Identifiers: ClinVar variation 3029391 (VCV003029391.2), dbSNP rs2470236042, ClinGen allele CA351614100.

ClinVar aggregate classification (germline): Uncertain significance (0 of 4 stars; one submission).

Conditions:
SYN2-related disorder. Also called: SYN2-related condition.

Allele frequency attached by ClinVar (database versions not stated): gnomAD exomes below 0.00001.
gnomAD v4.1: 1 of 1,605,246 alleles (0.000062%); highest among the groups gnomAD compares: Admixed American, 0.0017%; no homozygotes.

Submission:

PreventionGenetics, part of Exact Sciences
Classification: Uncertain significance for SYN2-related condition. Last evaluated: 2023-11-03. Review status: no assertion criteria provided. Collection method: clinical testing. Allele origin: germline.
Comment: The SYN2 c.1308+1G>A variant is predicted to disrupt the GT donor site and interfere with normal splicing. To our knowledge, this variant has not been reported in the literature or in a large population database, indicating this variant is rare. At this time, the clinical significance of this variant is uncertain due to the absence of conclusive functional and genetic evidence.